The following is an entry in ClinVar:

NM_016333.4(SRRM2):c.85del (p.Arg29fs)

Gene: SRRM2 (serine/arginine repetitive matrix 2; plus strand). Cytogenetic location: 16p13.3.
Variant type: Deletion.
Coding change: c.85del on transcript NM_016333.4 (MANE Select); coding-DNA position 85, one base deleted (C; older notation c.85delC).
Protein change: p.Arg29fs; shifts the reading frame from arginine 29.
Molecular consequence: frameshift variant.
Genome position (GRCh38, 1-based): chr16:2,756,449, C deleted; the last of 2 consecutive C bases (chr16:2,756,448-2,756,449); deleting either gives the same sequence. VCF-style (leftmost placement, unchanged base first): chr16-2756447-GC-G. GRCh37 (hg19) VCF-style: chr16-2806448-GC-G.
Other names: short protein forms R29fs.
Identifiers: ClinVar variation 3239383 (VCV003239383.19), dbSNP rs2505588620.

ClinVar aggregate classification (germline): Likely pathogenic (1 of 4 stars; one submission).

Submission:

CeGaT Center for Human Genetics Tuebingen
Classification: Likely pathogenic. Last evaluated: 2025-04-01. Review status: criteria provided, single submitter. Criteria: CeGaT Center For Human Genetics Tuebingen Variant Classification Criteria Version 2. Collection method: clinical testing. Allele origin: germline. Affected: yes. Observed: 2 variant alleles.
Comment: SRRM2: PVS1:Strong, PM2